The following is an entry in ClinVar:

ClinVar aggregate classification (germline): Benign. Review status: criteria provided, single submitter (1 of 4 stars). 2 submissions from 2 submitters: Benign (1). 1 of the submissions does not count toward it. Last evaluated 2018-01-13.

Conditions:
Myostatin-related muscle hypertrophy (MSLHP). Also called: MUSCLE HYPERTROPHY. Identifiers: Orphanet 275534, MedGen C2931112, MONDO:0013598, OMIM 614160.
MSTN-related disorder. Also called: MSTN-related condition.

Allele frequency attached by ClinVar (database versions not stated): gnomAD 0.00011 and 0.00020; TOPMed 0.00016; gnomAD exomes 0.00022 and 0.00050; ExAC 0.00046; 1000 Genomes Project 30x 0.00125; 1000 Genomes Project 0.00160.
gnomAD v4.1: 350 of 1,610,756 alleles (0.022%); highest among the groups gnomAD compares: East Asian, 0.75%; 3 homozygotes.

Submissions (2):

Illumina Laboratory Services, Illumina
Classification: Benign for Myostatin-related muscle hypertrophy. Last evaluated: 2018-01-13. Review status: criteria provided, single submitter. Criteria: ICSL Variant Classification Criteria 13 December 2019. Collection method: clinical testing. Allele origin: germline.
Comment: This variant was observed in the ICSL laboratory as part of a predisposition screen in an ostensibly healthy population. It had not been previously curated by ICSL or reported in the Human Gene Mutation Database (HGMD: prior to June 1st, 2018), and was therefore a candidate for classification through an automated scoring system. Utilizing variant allele frequency, disease prevalence and penetrance estimates, and inheritance mode, an automated score was calculated to assess if this variant is too frequent to cause the disease. Based on the score and internal cut-off values, a variant classified as benign is not then subjected to further curation. The score for this variant resulted in a classification of benign for this disease.

PreventionGenetics, part of Exact Sciences
Classification: Likely benign for MSTN-related condition. Last evaluated: 2019-10-02. Review status: no assertion criteria provided. Collection method: clinical testing. Allele origin: germline. Not counted in ClinVar's aggregate classification.
Comment: This variant is classified as likely benign based on ACMG/AMP sequence variant interpretation guidelines (Richards et al. 2015 PMID: 25741868, with internal and published modifications).

NM_005259.3(MSTN):c.747+8A>G

Genes: C2orf88 (chromosome 2 open reading frame 88; plus strand), MSTN (myostatin; minus strand). Cytogenetic location: 2q32.2.
Variant type: single nucleotide variant.
Coding change: c.747+8A>G on transcript NM_005259.3 (MANE Select); 8 bases into the intron after coding-DNA position 747, A replaced by G.
Molecular consequence: intron variant.
Genome position (GRCh38, 1-based): chr2:190,060,054, T>C on the plus strand (A>G on the coding strand, the complement: MSTN is on the minus strand). VCF-style: chr2-190060054-T-C. GRCh37 (hg19) VCF-style: chr2-190924780-T-C.
Identifiers: ClinVar variation 898474 (VCV000898474.6), dbSNP rs185201680, ClinGen allele CA2027081.